The following is an entry in ClinVar:

ClinVar aggregate classification (germline): Uncertain significance (1 of 4 stars; one submission).

Conditions:
Hereditary cancer-predisposing syndrome. Also called: Tumor predisposition; Neoplastic Syndromes, Hereditary; Hereditary Cancer Syndrome; Hereditary neoplastic syndrome. Identifiers: Orphanet 140162, MedGen C0027672, MeSH D009386, MONDO:0015356.

Allele frequency attached by ClinVar (database versions not stated): gnomAD exomes below 0.00001.
gnomAD v4.1: 1 of 1,611,274 alleles (0.000062%); highest among the groups gnomAD compares: Admixed American, 0.0017%; no homozygotes.

Submission:

Ambry Genetics
Classification: Uncertain significance for Hereditary cancer-predisposing syndrome. Last evaluated: 2021-04-06. Review status: criteria provided, single submitter. Criteria: Ambry Variant Classification Scheme 2023. Collection method: clinical testing. Allele origin: germline.
Comment: The p.A108T variant (also known as c.322G>A), located in coding exon 5 of the BRCA1 gene, results from a G to A substitution at nucleotide position 322. The alanine at codon 108 is replaced by threonine, an amino acid with similar properties. This amino acid position is poorly conserved in available vertebrate species. In addition, this alteration is predicted to be deleterious by in silico analysis. Since supporting evidence is limited at this time, the clinical significance of this alteration remains unclear.

NM_007294.4(BRCA1):c.322G>A (p.Ala108Thr)

Gene: BRCA1 (BRCA1 DNA repair associated; minus strand). Cytogenetic location: 17q21.31.
Variant type: single nucleotide variant.
Coding change: c.322G>A on transcript NM_007294.4 (MANE Select); coding-DNA position 322, G replaced by A.
Protein change: p.Ala108Thr; replaces alanine 108 with threonine.
Molecular consequence: missense variant. On other transcripts: non-coding transcript variant (1).
Genome position (GRCh38, 1-based): chr17:43,104,241, C>T on the plus strand (G>A on the coding strand, the complement: BRCA1 is on the minus strand). VCF-style: chr17-43104241-C-T. GRCh37 (hg19) VCF-style: chr17-41256258-C-T.
Other names: c.322G>A, p.Ala108Thr (NM_001408441.1, NM_001408442.1, NM_001408443.1 and 165 more transcripts); c.313G>A, p.Ala105Thr (NM_001408408.1, NM_001407646.1, NM_001407647.1); c.244G>A, p.Ala82Thr (NM_001408409.1, NM_001408411.1, NM_001408412.1 and 21 more transcripts); c.181G>A, p.Ala61Thr (NM_001408410.1, NM_001408452.1, NM_001408453.1 and 99 more transcripts); c.190G>A, p.Ala64Thr (NM_001408451.1); c.112G>A, p.Ala38Thr (NM_001408478.1, NM_001408479.1, NM_001408480.1 and 58 more transcripts); c.-60G>A (NM_001408510.1, NM_001408512.1, NM_001407959.1 and 4 more transcripts); short protein forms A108T, A61T, A64T, A82T, A105T, A38T.
Identifiers: ClinVar variation 1729175 (VCV001729175.2), dbSNP rs2154549989, ClinGen allele CA10601504.